The following is an entry in ClinVar:

ClinVar aggregate classification (germline): Uncertain significance. Review status: criteria provided, multiple submitters, no conflicts (2 of 4 stars). 3 submissions from 3 submitters: Uncertain significance (2). 1 of the submissions does not count toward it. Last evaluated 2024-08-05.

Conditions:
Isolated dental anomalies.
KBG syndrome (KBGS). Also called: ANKRD11-Related KBG Syndrome. Identifiers: Orphanet 2332, MedGen C0220687, MONDO:0007846, OMIM 148050.

Allele frequency attached by ClinVar (database versions not stated): ExAC 0.00001; gnomAD 0.00001; gnomAD exomes 0.00001; TOPMed 0.00003; ESP Exome Variant Server 0.00008.
gnomAD v4.1: 22 of 1,613,734 alleles (0.0014%); highest among the groups gnomAD compares: African/African-American, 0.004%; no homozygotes.

Submissions (3):

Labcorp Genetics (formerly Invitae), Labcorp
Classification: Uncertain significance for KBG syndrome. Last evaluated: 2024-08-05. Review status: criteria provided, single submitter. Criteria: Invitae Variant Classification Sherloc (09022015). Collection method: clinical testing. Allele origin: germline.
Comment: This sequence change replaces arginine, which is basic and polar, with glutamine, which is neutral and polar, at codon 733 of the ANKRD11 protein (p.Arg733Gln). This variant is present in population databases (rs373946350, gnomAD 0.007%). This variant has not been reported in the literature in individuals affected with ANKRD11-related conditions. ClinVar contains an entry for this variant (Variation ID: 2159136). Advanced modeling of protein sequence and biophysical properties (such as structural, functional, and spatial information, amino acid conservation, physicochemical variation, residue mobility, and thermodynamic stability) performed at Invitae indicates that this missense variant is not expected to disrupt ANKRD11 protein function with a negative predictive value of 95%. In summary, the available evidence is currently insufficient to determine the role of this variant in disease. Therefore, it has been classified as a Variant of Uncertain Significance.

Blueprint Genetics
Classification: Uncertain significance. Last evaluated: 2022-10-25. Review status: criteria provided, single submitter. Criteria: ACMG Guidelines, 2015. Collection method: clinical testing. Allele origin: germline.

Center of Excellence in Medical Genetics Research, Chiang Mai University
Classification: Uncertain significance for Isolated dental anomalies. Last evaluated: 2026-08-18. Review status: no assertion criteria provided. Collection method: research. Allele origin: germline. Affected: yes. Observed: 1 variant allele. Not counted in ClinVar's aggregate classification.
Comment: NM_013275.6:c.2198G>A is a missense variant in ANKRD11. The in silico mutation prediction results were MutationTaster (Disease Causing; 0.785481770607652), PolyPhen-2 (Probably Damaging; 0.998), SIFT (Benign Supporting; 0.060), CADD (24.5), and DANN (Pathogenic Supporting; 0.9994). It occurs at an extremely low frequency in the gnomAD population database (gnomAD Global = 0.00001363, South Asian = 0.00002196, East Asian = 0) and is absent from the T-Rex database (Thai exomes: 0/2184) (PM2). In summary, based on the ACMG/AMP criteria applied, this variant meets criteria to be classified as a variant of uncertain significance (VUS) for isolated dental anomalies.

NM_013275.6(ANKRD11):c.2198G>A (p.Arg733Gln)

Gene: ANKRD11 (ankyrin repeat domain 11; minus strand). Cytogenetic location: 16q24.3.
Variant type: single nucleotide variant.
Coding change: c.2198G>A on transcript NM_013275.6 (MANE Select); coding-DNA position 2198, G replaced by A.
Protein change: p.Arg733Gln; replaces arginine 733 with glutamine.
Molecular consequence: missense variant.
Genome position (GRCh38, 1-based): chr16:89,284,344, C>T on the plus strand (G>A on the coding strand, the complement: ANKRD11 is on the minus strand). VCF-style: chr16-89284344-C-T. GRCh37 (hg19) VCF-style: chr16-89350752-C-T.
Other names: c.2198G>A, p.Arg733Gln (NM_001256182.2, NM_001256183.2); short protein forms R733Q.
Identifiers: ClinVar variation 2159136 (VCV002159136.6), dbSNP rs373946350, ClinGen allele CA8242624.